The following is an entry in ClinVar:

NM_018063.5(HELLS):c.1689A>G (p.Ile563Met)

Gene: HELLS (helicase, lymphoid specific; plus strand). Cytogenetic location: 10q23.33.
Variant type: single nucleotide variant.
Coding change: c.1689A>G on transcript NM_018063.5 (MANE Select); coding-DNA position 1689, A replaced by G.
Protein change: p.Ile563Met; replaces isoleucine 563 with methionine.
Molecular consequence: missense variant.
Genome position (GRCh38, 1-based): chr10:94,590,698, A>G. VCF-style: chr10-94590698-A-G. GRCh37 (hg19) VCF-style: chr10-96350455-A-G.
Other names: c.1827A>G, p.Ile609Met (NM_001289067.2); c.1641A>G, p.Ile547Met (NM_001289068.2); c.1593A>G, p.Ile531Met (NM_001289069.2); c.1395A>G, p.Ile465Met (NM_001289070.2); c.1317A>G, p.Ile439Met (NM_001289071.2); c.1299A>G, p.Ile433Met (NM_001289072.2); c.1275A>G, p.Ile425Met (NM_001289073.2); c.606A>G, p.Ile202Met (NM_001289074.2); and 1 more; short protein forms I157M, I531M, I609M, I425M, I433M, I465M, I547M, I202M.
Identifiers: ClinVar variation 1355206 (VCV001355206.4), dbSNP rs752068937, ClinGen allele CA5615562.

ClinVar aggregate classification (germline): Uncertain significance (1 of 4 stars; one submission).

Allele frequency attached by ClinVar (database versions not stated): TOPMed below 0.00001; ExAC 0.00001; gnomAD exomes 0.00001.
gnomAD v4.1: 11 of 1,607,556 alleles (0.00068%); highest among the groups gnomAD compares: Non-Finnish European, 0.00094%; no homozygotes.

Submission:

Labcorp Genetics (formerly Invitae), Labcorp
Classification: Uncertain significance. Last evaluated: 2025-01-06. Review status: criteria provided, single submitter. Criteria: Invitae Variant Classification Sherloc (09022015). Collection method: clinical testing. Allele origin: germline.
Comment: This sequence change replaces isoleucine, which is neutral and non-polar, with methionine, which is neutral and non-polar, at codon 563 of the HELLS protein (p.Ile563Met). This variant is present in population databases (rs752068937, gnomAD 0.003%). This variant has not been reported in the literature in individuals affected with HELLS-related conditions. ClinVar contains an entry for this variant (Variation ID: 1355206). An algorithm developed to predict the effect of missense changes on protein structure and function (PolyPhen-2) suggests that this variant¬†is likely to be tolerated. In summary, the available evidence is currently insufficient to determine the role of this variant in disease. Therefore, it has been classified as a Variant of Uncertain Significance.